The following is an entry in ClinVar:

NM_001256789.3(CACNA1F):c.5849G>A (p.Arg1950His)

Gene: CACNA1F (calcium voltage-gated channel subunit alpha1 F; minus strand). Cytogenetic location: Xp11.23.
Variant type: single nucleotide variant.
Coding change: c.5849G>A on transcript NM_001256789.3 (MANE Select); coding-DNA position 5849, G replaced by A.
Protein change: p.Arg1950His; replaces arginine 1950 with histidine.
Molecular consequence: missense variant.
Genome position (GRCh38, 1-based): chrX:49,205,189, C>T on the plus strand (G>A on the coding strand, the complement: CACNA1F is on the minus strand). VCF-style: chrX-49205189-C-T. GRCh37 (hg19) VCF-style: chrX-49061649-C-T.
Other names: c.5687G>A, p.Arg1896His (NM_001256790.3); c.5882G>A, p.Arg1961His (NM_005183.4); short protein forms R1961H, R1950H, R1896H.
Identifiers: ClinVar variation 855148 (VCV000855148.9), dbSNP rs782337448, ClinGen allele CA412955894.

ClinVar aggregate classification (germline): Uncertain significance (1 of 4 stars; one submission).

Submission:

Labcorp Genetics (formerly Invitae), Labcorp
Classification: Uncertain significance. Last evaluated: 2025-04-14. Review status: criteria provided, single submitter. Criteria: Invitae Variant Classification Sherloc (09022015). Collection method: clinical testing. Allele origin: germline.
Comment: This sequence change replaces arginine, which is basic and polar, with histidine, which is basic and polar, at codon 1961 of the CACNA1F protein (p.Arg1961His). This variant is present in population databases (no rsID available, gnomAD 0.004%). This missense change has been observed in individual(s) with clinical features of inherited retinal dystrophy (internal data). ClinVar contains an entry for this variant (Variation ID: 855148). An algorithm developed to predict the effect of missense changes on protein structure and function outputs the following: PolyPhen-2: "Benign". The histidine amino acid residue is found in multiple mammalian species, which suggests that this missense change does not adversely affect protein function. In summary, the available evidence is currently insufficient to determine the role of this variant in disease. Therefore, it has been classified as a Variant of Uncertain Significance.